The following is an entry in ClinVar:

ClinVar aggregate classification (germline): Pathogenic. Review status: criteria provided, multiple submitters, no conflicts (2 of 4 stars). 3 submissions from 3 submitters: Pathogenic (3). Last evaluated 2025-07-21.

Conditions:
PTCH1-related disorder. Also called: PTCH1-related disorders; PTCH1-related condition.
Gorlin syndrome. Also called: Nevoid Basal Cell Carcinoma Syndrome; Basal cell nevus syndrome. Identifiers: Orphanet 377, MedGen C0004779, MONDO:0007187.

Submissions (3):

PreventionGenetics, part of Exact Sciences
Classification: Pathogenic for PTCH1-related condition. Last evaluated: 2025-07-21. Review status: criteria provided, single submitter. Criteria: ACMG Guidelines, 2015. Collection method: clinical testing. Allele origin: germline.
Comment: The PTCH1 c.654+1G>A variant is predicted to disrupt the GT donor site and interfere with normal splicing. This variant has been reported in an individual with nevoid basal cell carcinoma syndrome (aka, Gorlin syndrome; Nakamura et al. 2022. PubMed ID: 35437209). This variant has not been reported in a large population database (gnomAD), indicating this variant is rare. Additional variants impacting the same splice donor site (c.654+1G>T, c.654+2T>A) have been reported in individuals with clinical features of Gorlin syndrome (Pastorino et al. 2012. PubMed ID: 22952776; Mashayekhi et al. 2023. PubMed ID: 37752108). Variants that disrupt the consensus splice donor site in PTCH1 are expected to be pathogenic. This variant is interpreted as pathogenic.

Mendelics
Classification: Pathogenic for Basal cell nevus syndrome 1. Last evaluated: 2022-05-04. Review status: criteria provided, single submitter. Criteria: Mendelics Assertion Criteria 2019. Collection method: clinical testing. Allele origin: germline.

Labcorp Genetics (formerly Invitae), Labcorp
Classification: Pathogenic for Gorlin syndrome. Last evaluated: 2020-11-26. Review status: criteria provided, single submitter. Criteria: Invitae Variant Classification Sherloc (09022015). Collection method: clinical testing. Allele origin: germline.
Comment: For these reasons, this variant has been classified as Pathogenic. Donor and acceptor splice site variants typically lead to a loss of protein function (PMID: 16199547), and loss-of-function variants in PTCH1 are known to be pathogenic (PMID: 16301862, 16419085). Algorithms developed to predict the effect of sequence changes on RNA splicing suggest that this variant may disrupt the consensus splice site, but this prediction has not been confirmed by published transcriptional studies. Disruption of this splice site has been observed in individual(s) with clinical features of Gorlin syndrome (PMID: 22952776, Invitae). This variant is not present in population databases (ExAC no frequency). This sequence change affects a donor splice site in intron 4 of the PTCH1 gene. It is expected to disrupt RNA splicing and likely results in an absent or disrupted protein product.

Literature cited by the submitters: PubMed 16199547 (cited by Labcorp Genetics (formerly Invitae), Labcorp); PubMed 16301862 (cited by Labcorp Genetics (formerly Invitae), Labcorp); PubMed 16419085 (cited by Labcorp Genetics (formerly Invitae), Labcorp); PubMed 22952776 (cited by Labcorp Genetics (formerly Invitae), Labcorp).

NM_000264.5(PTCH1):c.654+1G>A

Gene: PTCH1 (patched 1; minus strand). Cytogenetic location: 9q22.32.
Variant type: single nucleotide variant.
Coding change: c.654+1G>A on transcript NM_000264.5 (MANE Select); the canonical splice donor site of the intron after coding-DNA position 654, G replaced by A.
Molecular consequence: splice donor variant.
Genome position (GRCh38, 1-based): chr9:95,482,133, C>T on the plus strand (G>A on the coding strand, the complement: PTCH1 is on the minus strand). VCF-style: chr9-95482133-C-T. GRCh37 (hg19) VCF-style: chr9-98244415-C-T.
Other names: c.651+1G>A (NM_001083603.3); c.456+1G>A (NM_001083602.3, NM_001354919.2); c.654+1G>A (NM_001354918.2, NM_000264.3); c.201+1G>A (NM_001083605.3, NM_001083604.3, NM_001083606.3 and 1 more transcripts).
Identifiers: ClinVar variation 1068532 (VCV001068532.11), dbSNP rs2118471978, ClinGen allele CA374115006.